The following is an entry in ClinVar:

ClinVar aggregate classification (germline): Likely benign. Review status: criteria provided, multiple submitters, no conflicts (2 of 4 stars). 3 submissions from 3 submitters: Likely benign (3). Last evaluated 2025-08-01.

Conditions:
Inborn genetic diseases. Identifiers: MedGen C0950123, MeSH D030342.
Frasier syndrome. Identifiers: Orphanet 347, MedGen C0950122, MeSH D052159, MONDO:0007635, OMIM 136680.
Drash syndrome (DDS). Also called: NEPHROPATHY, WILMS TUMOR, AND GENITAL ANOMALIES; WILMS TUMOR AND PSEUDO- OR TRUE HERMAPHRODITISM. Identifiers: Orphanet 220, MedGen C0950121, MONDO:0008682, OMIM 194080.
Wilms tumor 1 (WT1). Also called: Wilms tumor, somatic. Identifiers: Orphanet 654, MedGen CN033288, MONDO:0008679, OMIM 194070.
11p partial monosomy syndrome (WAGR). Also called: CHROMOSOME 11p13 DELETION SYNDROME; WAGR syndrome; WAGR Spectrum Disorder; WAGR Complex. Identifiers: Orphanet 893, MedGen C0206115, MONDO:0008681, OMIM 194072.

Allele frequency attached by ClinVar (database versions not stated): gnomAD exomes below 0.00001; gnomAD 0.00001.
gnomAD v4.1: 3 of 1,613,924 alleles (0.00019%); highest among the groups gnomAD compares: African/African-American, 0.004%; no homozygotes.

Submissions (3):

CeGaT Center for Human Genetics Tuebingen
Classification: Likely benign. Last evaluated: 2025-08-01. Review status: criteria provided, single submitter. Criteria: CeGaT Center For Human Genetics Tuebingen Variant Classification Criteria Version 2. Collection method: clinical testing. Allele origin: germline. Affected: yes. Observed: 1 variant allele.
Comment: WT1: BP4, BP7

Ambry Genetics
Classification: Likely benign for Inborn genetic diseases. Last evaluated: 2025-04-21. Review status: criteria provided, single submitter. Criteria: Ambry Variant Classification Scheme 2023. Collection method: clinical testing. Allele origin: germline.

Labcorp Genetics (formerly Invitae), Labcorp
Classification: Likely benign for Wilms tumor 1; Drash syndrome; 11p partial monosomy syndrome; Frasier syndrome. Last evaluated: 2023-09-26. Review status: criteria provided, single submitter. Criteria: Invitae Variant Classification Sherloc (09022015). Collection method: clinical testing. Allele origin: germline.

NM_024426.6(WT1):c.1350T>C (p.His450=)

Gene: WT1 (WT1 transcription factor; minus strand). Cytogenetic location: 11p13.
Variant type: single nucleotide variant.
Coding change: c.1350T>C on transcript NM_024426.6 (MANE Select); coding-DNA position 1350, T replaced by C.
Protein change: p.His450=; no amino-acid change (histidine 450 retained).
Molecular consequence: synonymous variant. On other transcripts: non-coding transcript variant (2), intron variant (1).
Genome position (GRCh38, 1-based): chr11:32,392,670, A>G on the plus strand (T>C on the coding strand, the complement: WT1 is on the minus strand). VCF-style: chr11-32392670-A-G. GRCh37 (hg19) VCF-style: chr11-32414216-A-G.
Other names: c.1299T>C, p.His433= (NM_000378.6, NM_001407045.1, NM_001407049.1); c.699T>C, p.His233= (NM_001198551.2); c.648T>C, p.His216= (NM_001198552.2); c.162T>C, p.His54= (NM_001367854.1); c.1344T>C, p.His448= (NM_001407044.1); c.1350T>C, p.His450= (NM_001407046.1, NM_024424.5); c.1227T>C, p.His409= (NM_001407047.1); c.1176T>C, p.His392= (NM_001407050.1); and 4 more.
Identifiers: ClinVar variation 2926586 (VCV002926586.12), dbSNP rs1851851496, ClinGen allele CA473565743.